The following is an entry in ClinVar:

NM_005677.4(COLQ):c.955-339C>T

Gene: COLQ (collagen like tail subunit of asymmetric acetylcholinesterase; minus strand). Cytogenetic location: 3p25.1.
Variant type: single nucleotide variant.
Coding change: c.955-339C>T on transcript NM_005677.4 (MANE Select); 339 bases into the intron before coding-DNA position 955, C replaced by T.
Molecular consequence: intron variant.
Genome position (GRCh38, 1-based): chr3:15,456,918, G>A on the plus strand (C>T on the coding strand, the complement: COLQ is on the minus strand). VCF-style: chr3-15456918-G-A. GRCh37 (hg19) VCF-style: chr3-15498425-G-A.
Other names: c.853-339C>T (NM_080539.4); c.925-339C>T (NM_080538.2).
Identifiers: ClinVar variation 673465 (VCV000673465.1), dbSNP rs138157007, ClinGen allele CA11527864.

ClinVar aggregate classification (germline): Benign (1 of 4 stars; one submission).

Allele frequency attached by ClinVar (database versions not stated): gnomAD 0.06009 and 0.06127; TOPMed 0.07154; 1000 Genomes Project 0.07448; 1000 Genomes Project 30x 0.07573.
gnomAD v4.1: 9,286 of 152,002 alleles (6.1%); highest among the groups gnomAD compares: Admixed American, 14%; 412 homozygotes.

Submission:

GeneDx
Classification: Benign. Last evaluated: 2018-06-16. Review status: criteria provided, single submitter. Criteria: GeneDx Variant Classification (06012015). Collection method: clinical testing. Allele origin: germline. Affected: yes.
Comment: This variant is considered likely benign or benign based on one or more of the following criteria: it is a conservative change, it occurs at a poorly conserved position in the protein, it is predicted to be benign by multiple in silico algorithms, and/or has population frequency not consistent with disease.